The following is an entry in ClinVar:

ClinVar aggregate classification (germline): Uncertain significance (1 of 4 stars; one submission).

Submission:

Labcorp Genetics (formerly Invitae), Labcorp
Classification: Uncertain significance. Last evaluated: 2025-11-29. Review status: criteria provided, single submitter. Criteria: Invitae Variant Classification Sherloc (09022015). Collection method: clinical testing. Allele origin: germline.
Comment: This sequence change replaces valine, which is neutral and non-polar, with methionine, which is neutral and non-polar, at codon 360 of the DHX32 protein (p.Val360Met). This variant is present in population databases (rs377442755, gnomAD 0.01%). This variant has not been reported in the literature in individuals affected with DHX32-related conditions. An algorithm developed to predict the effect of missense changes on protein structure and function outputs the following: PolyPhen-2: "Benign". The methionine amino acid residue is found in multiple mammalian species, which suggests that this missense change does not adversely affect protein function. In summary, the available evidence is currently insufficient to determine the role of this variant in disease. Therefore, it has been classified as a Variant of Uncertain Significance.

NM_018180.3(DHX32):c.1078G>A (p.Val360Met)

Gene: DHX32 (DEAH-box helicase 32 (putative); minus strand). Cytogenetic location: 10q26.2.
Variant type: single nucleotide variant.
Coding change: c.1078G>A on transcript NM_018180.3 (MANE Select); coding-DNA position 1078, G replaced by A.
Protein change: p.Val360Met; replaces valine 360 with methionine.
Molecular consequence: missense variant.
Genome position (GRCh38, 1-based): chr10:125,853,975, C>T on the plus strand (G>A on the coding strand, the complement: DHX32 is on the minus strand). VCF-style: chr10-125853975-C-T. GRCh37 (hg19) VCF-style: chr10-127542544-C-T.
Other names: short protein forms V360M.
Identifiers: ClinVar variation 4762693 (VCV004762693.1).